The following is an entry in ClinVar:

ClinVar aggregate classification (germline): Conflicting classifications of pathogenicity. Review status: criteria provided, conflicting classifications (1 of 4 stars). 7 submissions from 7 submitters: Uncertain significance (6); Likely benign (1). Last evaluated 2025-11-19.

Conditions:
Hereditary cancer-predisposing syndrome. Also called: Neoplastic Syndromes, Hereditary; Hereditary neoplastic syndrome; Tumor predisposition; Hereditary Cancer Syndrome. Identifiers: Orphanet 140162, MedGen C0027672, MeSH D009386, MONDO:0015356.
Hereditary breast ovarian cancer syndrome. Also called: Hereditary breast and ovarian cancer syndrome (HBOC); BRCA1- and BRCA2-Associated Hereditary Breast and Ovarian Cancer; Hereditary breast and/or ovarian cancer syndrome; Hereditary breast and ovarian cancer syndrome; Hereditary breast and ovarian cancer; Breast and ovarian cancer. Identifiers: Orphanet 145, MedGen C0677776, MeSH D061325, MONDO:0003582. Disease mechanism: loss of function.
Breast-ovarian cancer, familial, susceptibility to, 1 (BROVCA1). Also called: BRCA1 Hereditary Breast and Ovarian Cancer; OVARIAN CANCER, SUSCEPTIBILITY TO. Identifiers: Orphanet 145, MedGen C2676676, MONDO:0011450, OMIM 604370. Disease mechanism: loss of function.

Allele frequency attached by ClinVar (database versions not stated): gnomAD exomes below 0.00001.
gnomAD v4.1: 1 of 1,612,878 alleles (0.000062%); highest among the groups gnomAD compares: Non-Finnish European, 0.000085%; no homozygotes.

Submissions (7):

Labcorp Genetics (formerly Invitae), Labcorp
Classification: Uncertain significance for Hereditary breast ovarian cancer syndrome. Last evaluated: 2025-11-19. Review status: criteria provided, single submitter. Criteria: Invitae Variant Classification Sherloc (09022015). Collection method: clinical testing. Allele origin: germline.
Comment: This sequence change replaces glycine, which is neutral and non-polar, with valine, which is neutral and non-polar, at codon 183 of the BRCA1 protein (p.Gly183Val). This variant is not present in population databases (gnomAD no frequency). This missense change has been observed in individual(s) with breast cancer (PMID: 31336956). ClinVar contains an entry for this variant (Variation ID: 441376). An algorithm developed to predict the effect of missense changes on protein structure and function (PolyPhen-2) suggests that this variant is likely to be disruptive. Algorithms developed to predict the effect of sequence changes on RNA splicing suggest that this variant may disrupt the consensus splice site. In summary, the available evidence is currently insufficient to determine the role of this variant in disease. Therefore, it has been classified as a Variant of Uncertain Significance.

Myriad Genetics, Inc.
Classification: Likely benign for Breast-ovarian cancer, familial, susceptibility to, 1. Last evaluated: 2024-11-27. Review status: criteria provided, single submitter. Criteria: Myriad Autosomal Dominant, Autosomal Recessive and X-Linked Classification Criteria (2023). Collection method: clinical testing. Allele origin: unknown.
Comment: This variant is considered likely benign. This variant is strongly associated with less severe personal and family histories of cancer, typical for individuals without pathogenic variants in this gene [PMID: 25085752].

Ambry Genetics
Classification: Uncertain significance for Hereditary cancer-predisposing syndrome. Last evaluated: 2024-01-03. Review status: criteria provided, single submitter. Criteria: Ambry Variant Classification Scheme 2023. Collection method: clinical testing. Allele origin: germline.
Comment: The p.G183V variant (also known as c.548G>T) is located in coding exon 7 of the BRCA1 gene. The glycine at codon 183 is replaced by valine, an amino acid with dissimilar properties. This change occurs in the first base pair of coding exon 7. This alteration has been reported as a variant of unknown significance in a cohort of 67 patients with unilateral hormone-dependent breast cancer and positive family history (Concolino P et al. Int J Mol Sci, 2019 Jul;20:). RNA studies have demonstrated that this alteration results in an a splice defect involving exons excluded from naturally occurring transcripts; the clinical impact of this abnormal splicing is unknown at this time (Ambry internal data). This amino acid position is well conserved in available vertebrate species. In addition, this alteration is predicted to be deleterious by in silico analysis. Since supporting evidence is limited at this time, the clinical significance of this alteration remains unclear.

Women's Health and Genetics/Laboratory Corporation of America, LabCorp
Classification: Uncertain significance. Last evaluated: 2023-11-20. Review status: criteria provided, single submitter. Criteria: LabCorp Variant Classification Summary - May 2015. Collection method: clinical testing. Allele origin: germline.
Comment: Variant summary: BRCA1 c.548G>T (p.Gly183Val) results in a non-conservative amino acid change in the encoded protein sequence. Four of five in-silico tools predict a damaging effect of the variant on protein function. The variant was absent in 250814 control chromosomes. The available data on variant occurrences in the general population are insufficient to allow any conclusion about variant significance. These report(s) do not provide unequivocal conclusions about association of the variant with Hereditary Breast And Ovarian Cancer Syndrome. To our knowledge, no experimental evidence demonstrating an impact on protein function has been reported. The following publication have been ascertained in the context of this evaluation (PMID: 31336956). Four submitters have cited clinical-significance assessments for this variant to ClinVar after 2014. All submitters classified the variant as uncertain significance. Based on the evidence outlined above, the variant was classified as uncertain significance.

Color Diagnostics, LLC DBA Color Health
Classification: Uncertain significance for Hereditary cancer-predisposing syndrome. Last evaluated: 2019-04-05. Review status: criteria provided, single submitter. Criteria: ACMG Guidelines, 2015. Collection method: clinical testing. Allele origin: germline.

Illumina Laboratory Services, Illumina
Classification: Uncertain significance for Breast-ovarian cancer, familial, susceptibility to, 1. Last evaluated: 2017-04-27. Review status: criteria provided, single submitter. Criteria: ICSL Variant Classification Criteria 13 December 2019. Collection method: clinical testing. Allele origin: germline.

Neuberg Centre For Genomic Medicine, NCGM
Classification: Uncertain significance for Breast-ovarian cancer, familial, susceptibility to, 1. Review status: criteria provided, single submitter. Criteria: ACMG Guidelines, 2015. Collection method: clinical testing. Allele origin: germline. Inheritance: Autosomal dominant inheritance. Affected: yes.
Comment: The missense variant c.548G>T (p.Gly183Val) in BRCA1 has been submitted to ClinVar as a Variant of Uncertain Significance (VUS). The p.Gly183Val variant is novel (not in any individuals) in gnomAD Exomes and 1000 Genomes. The amino acid Gly at position 183 is changed to a Val changing protein sequence and it might alter its composition and physio-chemical properties. The amino acid change p.Gly183Val in BRCA1 is predicted as conserved by GERP++ and PhyloP across 100 vertebrates. For these reasons, this variant has been classified as Uncertain Significance (VUS).

Literature cited by the submitters: PubMed 31336956 (cited by 3 submitters); PubMed 25085752 (cited by Myriad Genetics, Inc.).

NM_007294.4(BRCA1):c.548G>T (p.Gly183Val)

Gene: BRCA1 (BRCA1 DNA repair associated; minus strand). Cytogenetic location: 17q21.31.
Variant type: single nucleotide variant.
Coding change: c.548G>T on transcript NM_007294.4 (MANE Select); coding-DNA position 548, G replaced by T.
Protein change: p.Gly183Val; replaces glycine 183 with valine.
Molecular consequence: missense variant. On other transcripts: non-coding transcript variant (1).
Genome position (GRCh38, 1-based): chr17:43,097,289, C>A on the plus strand (G>T on the coding strand, the complement: BRCA1 is on the minus strand). VCF-style: chr17-43097289-C-A. GRCh37 (hg19) VCF-style: chr17-41249306-C-A.
Other names: c.338G>T, p.Gly113Val (NM_001408489.1, NM_001408492.1, NM_001408506.1 and 27 more transcripts); c.335G>T, p.Gly112Val (NM_001408490.1, NM_001408491.1, NM_001408493.1 and 12 more transcripts); c.167G>T, p.Gly56Val (NM_001408510.1, NM_001407959.1, NM_001407960.1 and 1 more transcripts); c.407G>T, p.Gly136Val (NM_007297.4, NM_001407692.1, NM_001407694.1 and 43 more transcripts); c.548G>T, p.Gly183Val (NM_007298.4, NM_007299.4, NM_007300.4 and 59 more transcripts); c.545G>T, p.Gly182Val (NM_001407587.1, NM_001407590.1, NM_001407591.1 and 41 more transcripts); c.539G>T, p.Gly180Val (NM_001407646.1, NM_001407647.1, NM_001408408.1); c.470G>T, p.Gly157Val (NM_001407653.1, NM_001407654.1, NM_001407655.1 and 9 more transcripts); and 4 more; short protein forms G183V, G136V, G138V, G157V, G156V, G56V, G113V, G135V.
Identifiers: ClinVar variation 441376 (VCV000441376.23), dbSNP rs1555594081, ClinGen allele CA10601028.